The following is an entry in ClinVar:

NM_000400.4(ERCC2):c.946C>G (p.Gln316Glu)

Gene: ERCC2 (ERCC excision repair 2, TFIIH core complex helicase subunit; minus strand). Cytogenetic location: 19q13.32.
Variant type: single nucleotide variant.
Coding change: c.946C>G on transcript NM_000400.4 (MANE Select); coding-DNA position 946, C replaced by G.
Protein change: p.Gln316Glu; replaces glutamine 316 with glutamic acid.
Molecular consequence: missense variant.
Genome position (GRCh38, 1-based): chr19:45,363,989, G>C on the plus strand (C>G on the coding strand, the complement: ERCC2 is on the minus strand). VCF-style: chr19-45363989-G-C. GRCh37 (hg19) VCF-style: chr19-45867247-G-C.
Other names: c.874C>G, p.Gln292Glu (NM_001130867.2); short protein forms Q316E, Q292E.
Identifiers: ClinVar variation 329520 (VCV000329520.15), dbSNP rs757790912, ClinGen allele CA9513573.
Genomic context (GRCh38, chr19:45,363,989, plus strand): 5'-CAGCGGCGACGGGGAGGCGGGAAAGGGACTGGGGGGCAGCGGGGGGTCGGGGCTCACCCT[G>C]CAGCACTTCGTCGGGCAGCACGGGGTTGGCCAGGTGGGCGTCCGTCTCCCGGGCGGCGCT-3'
Protein context (NP_000391.1, residues 306-326): ANPVLPDEVL[Gln316Glu]EAVPGSIRTA

ClinVar aggregate classification (germline): Uncertain significance. Review status: criteria provided, multiple submitters, no conflicts (2 of 4 stars). 7 submissions from 7 submitters: Uncertain significance (7). Last evaluated 2026-09-01.

Conditions:
Trichothiodystrophy 1, photosensitive (TTD1). Also called: TAY SYNDROME; TRICHOTHIODYSTROPHY WITH CONGENITAL ICHTHYOSIS; PIBIDS SYNDROME. Identifiers: Orphanet 33364, MedGen C1866504, MONDO:0011125, OMIM 601675.
Xeroderma pigmentosum, group D (XPD). Also called: XERODERMA PIGMENTOSUM, COMPLEMENTATION GROUP D; ERCC2-Related Xeroderma Pigmentosum; XERODERMA PIGMENTOSUM IV; XP, GROUP D; XP, GROUP H. Identifiers: MedGen C0268138, MONDO:0010212, OMIM 278730.
Cerebrooculofacioskeletal syndrome 2 (COFS2). Identifiers: MedGen C1853102, MONDO:0012553, OMIM 610756.

Allele frequency attached by ClinVar (database versions not stated): gnomAD 0.00007 and 0.00008; TOPMed 0.00008; gnomAD exomes 0.00009 and 0.00012.
gnomAD v4.1: 133 of 1,541,226 alleles (0.0086%); highest among the groups gnomAD compares: Middle Eastern, 0.087%; no homozygotes.

Submissions (7):

CeGaT Center for Human Genetics Tuebingen
Classification: Uncertain significance. Last evaluated: 2026-09-01. Review status: criteria provided, single submitter. Criteria: CeGaT Center For Human Genetics Tuebingen Variant Classification Criteria Version 2. Collection method: clinical testing. Allele origin: germline. Affected: yes. Observed: 1 variant allele.
Comment: ERCC2: PM2

Fulgent Genetics
Classification: Uncertain significance for Xeroderma pigmentosum, group D; Trichothiodystrophy 1, photosensitive; Cerebrooculofacioskeletal syndrome 2. Last evaluated: 2024-03-13. Review status: criteria provided, single submitter. Criteria: ACMG Guidelines, 2015. Collection method: clinical testing. Allele origin: germline.

Labcorp Genetics (formerly Invitae), Labcorp
Classification: Uncertain significance. Last evaluated: 2022-09-07. Review status: criteria provided, single submitter. Criteria: Invitae Variant Classification Sherloc (09022015). Collection method: clinical testing. Allele origin: germline.
Comment: This sequence change replaces glutamine, which is neutral and polar, with glutamic acid, which is acidic and polar, at codon 316 of the ERCC2 protein (p.Gln316Glu). This variant is present in population databases (rs757790912, gnomAD 0.02%). This variant has not been reported in the literature in individuals affected with ERCC2-related conditions. ClinVar contains an entry for this variant (Variation ID: 329520). Algorithms developed to predict the effect of missense changes on protein structure and function (SIFT, PolyPhen-2, Align-GVGD) all suggest that this variant is likely to be tolerated. In summary, the available evidence is currently insufficient to determine the role of this variant in disease. Therefore, it has been classified as a Variant of Uncertain Significance.

GeneDx
Classification: Uncertain significance. Last evaluated: 2022-03-24. Review status: criteria provided, single submitter. Criteria: GeneDx Variant Classification Process June 2021. Collection method: clinical testing. Allele origin: germline. Affected: yes.
Comment: In silico analysis supports that this missense variant does not alter protein structure/function; Identified in an individual with familial breast and/or ovarian cancer (Rump 2016); This variant is associated with the following publications: (PMID: 27504877)

Institute for Clinical Genetics, University Hospital TU Dresden, University Hospital TU Dresden
Classification: Uncertain significance. Last evaluated: 2021-11-03. Review status: criteria provided, single submitter. Criteria: ACMG Guidelines, 2015. Collection method: clinical testing. Allele origin: germline.

Mendelics
Classification: Uncertain significance for Xeroderma pigmentosum, group D. Last evaluated: 2019-05-28. Review status: criteria provided, single submitter. Criteria: Mendelics Assertion Criteria 2017. Collection method: clinical testing. Allele origin: unknown.

Illumina Laboratory Services, Illumina
Classification: Uncertain significance for Xeroderma pigmentosum, group D. Last evaluated: 2018-01-13. Review status: criteria provided, single submitter. Criteria: ICSL Variant Classification Criteria 13 December 2019. Collection method: clinical testing. Allele origin: germline.